The following is an entry in ClinVar:

NM_005219.5(DIAPH1):c.2982T>C (p.Ala994=)

Gene: DIAPH1 (diaphanous related formin 1; minus strand). Cytogenetic location: 5q31.3.
Variant type: single nucleotide variant.
Coding change: c.2982T>C on transcript NM_005219.5 (MANE Select); coding-DNA position 2982, T replaced by C.
Protein change: p.Ala994=; no amino-acid change (alanine 994 retained).
Molecular consequence: synonymous variant.
Genome position (GRCh38, 1-based): chr5:141,528,738, A>G on the plus strand (T>C on the coding strand, the complement: DIAPH1 is on the minus strand). VCF-style: chr5-141528738-A-G. GRCh37 (hg19) VCF-style: chr5-140908305-A-G.
Other names: p.Ala994=; c.2955T>C, p.Ala985= (NM_001079812.3); c.2982T>C, p.Ala994= (NM_001314007.2).
Identifiers: ClinVar variation 1153701 (VCV001153701.10), dbSNP rs750890653, ClinGen allele CA3478928.

ClinVar aggregate classification (germline): Likely benign. Review status: criteria provided, multiple submitters, no conflicts (2 of 4 stars). 2 submissions from 2 submitters: Likely benign (2). Last evaluated 2025-07-17.

Conditions:
Autosomal dominant nonsyndromic hearing loss 1. Also called: KONIGSMARK SYNDROME; DEAFNESS, AUTOSOMAL DOMINANT 1, WITH OR WITHOUT THROMBOCYTOPENIA. Identifiers: Orphanet 90635, MedGen C1852282, MONDO:0007424, OMIM 124900.
Progressive microcephaly-seizures-cortical blindness-developmental delay syndrome. Also called: Seizures, cortical blindness, and microcephaly syndrome. Identifiers: Orphanet 477814, MedGen C5567650, MONDO:0014714, OMIM 616632.

Allele frequency attached by ClinVar (database versions not stated): TOPMed below 0.00001; ExAC 0.00001; gnomAD exomes 0.00001 and 0.00002.
gnomAD v4.1: 25 of 1,614,258 alleles (0.0015%); highest among the groups gnomAD compares: Non-Finnish European, 0.0021%; no homozygotes.

Submissions (2):

Mayo Clinic Laboratories, Mayo Clinic
Classification: Likely benign. Last evaluated: 2025-07-17. Review status: criteria provided, single submitter. Criteria: ACMG Guidelines, 2015. Collection method: clinical testing. Allele origin: germline. Observed: 1 variant allele.
Comment: BP4, BP7

Labcorp Genetics (formerly Invitae), Labcorp
Classification: Likely benign for Progressive microcephaly-seizures-cortical blindness-developmental delay syndrome; Autosomal dominant nonsyndromic hearing loss 1. Last evaluated: 2025-03-31. Review status: criteria provided, single submitter. Criteria: Invitae Variant Classification Sherloc (09022015). Collection method: clinical testing. Allele origin: germline.